The following is an entry in ClinVar:

NM_004380.3(CREBBP):c.5933A>G (p.Asn1978Ser)

Gene: CREBBP (CREB binding lysine acetyltransferase; minus strand). Cytogenetic location: 16p13.3.
Variant type: single nucleotide variant.
Coding change: c.5933A>G on transcript NM_004380.3 (MANE Select); coding-DNA position 5933, A replaced by G.
Protein change: p.Asn1978Ser; replaces asparagine 1978 with serine.
Molecular consequence: missense variant.
Genome position (GRCh38, 1-based): chr16:3,729,114, T>C on the plus strand (A>G on the coding strand, the complement: CREBBP is on the minus strand). VCF-style: chr16-3729114-T-C. GRCh37 (hg19) VCF-style: chr16-3779115-T-C.
Other names: c.5819A>G, p.Asn1940Ser (NM_001079846.1); short protein forms N1978S, N1940S.
Identifiers: ClinVar variation 95057 (VCV000095057.49), dbSNP rs112906840, ClinGen allele CA148132.

ClinVar aggregate classification (germline): Benign/Likely benign. Review status: criteria provided, multiple submitters, no conflicts (2 of 4 stars). 11 submissions from 11 submitters: Benign (6); Likely benign (2). 3 of the submissions do not count toward it. Last evaluated 2026-09-01.

Conditions:
Inborn genetic diseases. Identifiers: MedGen C0950123, MeSH D030342.
Rubinstein-Taybi syndrome (RSTS). Identifiers: Orphanet 783, MedGen C0035934, MONDO:0019188.

Allele frequency attached by ClinVar (database versions not stated): 1000 Genomes Project 0.00220; TOPMed 0.00420; gnomAD 0.00431 and 0.00438; ESP Exome Variant Server 0.00431; 1000 Genomes Project 30x 0.00219.
gnomAD v4.1: 8,572 of 1,581,462 alleles (0.54%); highest among the groups gnomAD compares: Non-Finnish European, 0.61%; 27 homozygotes.

Submissions (11):

CeGaT Center for Human Genetics Tuebingen
Classification: Likely benign. Last evaluated: 2026-09-01. Review status: criteria provided, single submitter. Criteria: CeGaT Center For Human Genetics Tuebingen Variant Classification Criteria Version 2. Collection method: clinical testing. Allele origin: germline. Affected: yes. Observed: 52 variant alleles.
Comment: CREBBP: PM5, PP2, BS1, BS2

Labcorp Genetics (formerly Invitae), Labcorp
Classification: Benign for Rubinstein-Taybi syndrome. Last evaluated: 2026-01-28. Review status: criteria provided, single submitter. Criteria: Invitae Variant Classification Sherloc (09022015). Collection method: clinical testing. Allele origin: germline.

Blueprint Genetics
Classification: Likely benign. Last evaluated: 2024-11-27. Review status: criteria provided, single submitter. Criteria: ACMG Guidelines, 2015. Collection method: clinical testing. Allele origin: germline.

Eurofins Ntd Llc (ga)
Classification: Benign. Last evaluated: 2017-05-08. Review status: criteria provided, single submitter. Criteria: EGL Classification Definitions 2015. Collection method: clinical testing. Allele origin: germline. Observed: 3 variant alleles, 3 heterozygotes.

GeneDx
Classification: Benign. Last evaluated: 2017-01-30. Review status: criteria provided, single submitter. Criteria: GeneDx Variant Classification (06012015). Collection method: clinical testing. Allele origin: germline. Affected: yes.
Comment: This variant is considered likely benign or benign based on one or more of the following criteria: it is a conservative change, it occurs at a poorly conserved position in the protein, it is predicted to be benign by multiple in silico algorithms, and/or has population frequency not consistent with disease.

Ambry Genetics
Classification: Benign for Inborn genetic diseases. Last evaluated: 2016-04-26. Review status: criteria provided, single submitter. Criteria: Ambry Variant Classification Scheme 2023. Collection method: clinical testing. Allele origin: germline.

Genetic Services Laboratory, University of Chicago
Classification: Benign. Last evaluated: 2013-02-08. Review status: criteria provided, single submitter. Criteria: ACMG Guidelines, 2007. Collection method: clinical testing. Allele origin: germline. Inheritance: Autosomal dominant inheritance.

Breakthrough Genomics
Classification: Benign. Review status: criteria provided, single submitter. Criteria: ACMG Guidelines, 2015. Collection method: not provided. Allele origin: germline. Inheritance: Autosomal dominant inheritance. Affected: yes.

ITMI
No classification provided. Condition: AllHighlyPenetrant. Last evaluated: 2013-09-19. Review status: no classification provided. Collection method: reference population. Allele origin: germline. Not counted in ClinVar's aggregate classification.
Comment: Please see associated publication for description of ethnicities

Clinical Genetics DNA and cytogenetics Diagnostics Lab, Erasmus MC, Erasmus Medical Center
Classification: Likely benign. Review status: no assertion criteria provided. Collection method: clinical testing. Allele origin: germline. Affected: yes. Study: VKGL Data-share Consensus. Not counted in ClinVar's aggregate classification.

Joint Genome Diagnostic Labs from Nijmegen and Maastricht, Radboudumc and MUMC+
Classification: Benign. Review status: no assertion criteria provided. Collection method: clinical testing. Allele origin: germline. Affected: yes. Study: VKGL Data-share Consensus. Not counted in ClinVar's aggregate classification.

Literature cited by the submitters: PubMed 24728327 (cited by Eurofins Ntd Llc (ga) and ITMI); PubMed 12070251 (cited by Eurofins Ntd Llc (ga)).